The following is an entry in ClinVar:

ClinVar aggregate classification (germline): Uncertain significance (1 of 4 stars; one submission).

Submission:

GeneDx
Classification: Uncertain significance. Last evaluated: 2025-01-15. Review status: criteria provided, single submitter. Criteria: GeneDx Variant Classification Process June 2021. Collection method: clinical testing. Allele origin: germline. Affected: yes.
Comment: Not observed at significant frequency in large population cohorts (gnomAD); In silico analysis supports that this missense variant has a deleterious effect on protein structure/function; Has not been previously published as pathogenic or benign to our knowledge

NM_001110556.2(FLNA):c.1177C>T (p.Pro393Ser)

Gene: FLNA (filamin A; minus strand). Cytogenetic location: Xq28.
Variant type: single nucleotide variant.
Coding change: c.1177C>T on transcript NM_001110556.2 (MANE Select); coding-DNA position 1177, C replaced by T.
Protein change: p.Pro393Ser; replaces proline 393 with serine.
Molecular consequence: missense variant.
Genome position (GRCh38, 1-based): chrX:154,366,359, G>A on the plus strand (C>T on the coding strand, the complement: FLNA is on the minus strand). VCF-style: chrX-154366359-G-A. GRCh37 (hg19) VCF-style: chrX-153594727-G-A.
Other names: c.1177C>T, p.Pro393Ser (NM_001456.4); short protein forms P393S.
Identifiers: ClinVar variation 4070705 (VCV004070705.1).